The following is an entry in ClinVar:

NM_001009944.3(PKD1):c.10123G>A (p.Val3375Met)

Gene: PKD1 (polycystin 1, transient receptor potential channel interacting; minus strand). Cytogenetic location: 16p13.3.
Variant type: single nucleotide variant.
Coding change: c.10123G>A on transcript NM_001009944.3 (MANE Select); coding-DNA position 10123, G replaced by A.
Protein change: p.Val3375Met; replaces valine 3375 with methionine.
Molecular consequence: missense variant.
Genome position (GRCh38, 1-based): chr16:2,097,912, C>T on the plus strand (G>A on the coding strand, the complement: PKD1 is on the minus strand). VCF-style: chr16-2097912-C-T. GRCh37 (hg19) VCF-style: chr16-2147913-C-T.
Other names: c.10123G>A, p.Val3375Met (NM_000296.4); short protein forms V3375M.
Identifiers: ClinVar variation 3579047 (VCV003579047.3).

ClinVar aggregate classification (germline): Conflicting classifications of pathogenicity. Review status: criteria provided, conflicting classifications (1 of 4 stars). 3 submissions from 3 submitters: Uncertain significance (2); Likely benign (1). Last evaluated 2026-02-10.

Conditions:
PKD1-related disorder. Also called: PKD1-related condition.
Polycystic kidney disease, adult type (PKD1). Also called: Polycystic Kidney Disease 1, Autosomal Dominant; Polycystic kidney disease 1; Polycystic kidney disease 1, severe; Polycystic Kidney, Autosomal Dominant; POLYCYSTIC KIDNEY DISEASE, ADULT, TYPE I; POLYCYSTIC KIDNEY DISEASE 1 WITH OR WITHOUT POLYCYSTIC LIVER DISEASE. Identifiers: MedGen C3149841, MONDO:0008263, OMIM 173900.

gnomAD v4.1: 97 of 1,604,302 alleles (0.006%); highest among the groups gnomAD compares: Middle Eastern, 0.023%; no homozygotes.

Submissions (3):

PreventionGenetics, part of Exact Sciences
Classification: Uncertain significance for PKD1-related condition. Last evaluated: 2026-02-10. Review status: criteria provided, single submitter. Criteria: ACMG Guidelines, 2015. Collection method: clinical testing. Allele origin: germline.
Comment: The PKD1 c.10123G>A variant is predicted to result in the amino acid substitution p.Val3375Met. This variant was reported in an individual with polycystic kidney disease, and was shown to segregate with disease within the patient's family (referred to as V3375M in Koptides et al. 1998. PubMed ID: 9921908). However, the authors did note their experiments did not thoroughly examine the entire PKD1 gene, and thus could not be certain of the presence of other possibly causative variants. This variant is reported in 0.017% of alleles in individuals of South Asian descent in gnomAD, which may be too common to be a primary cause of disease. Although we suspect this variant may be benign, at this time, the clinical significance of this variant is uncertain due to the absence of conclusive functional and genetic evidence.

Fulgent Genetics
Classification: Uncertain significance for Polycystic kidney disease, adult type. Last evaluated: 2024-06-07. Review status: criteria provided, single submitter. Criteria: ACMG Guidelines, 2015. Collection method: clinical testing. Allele origin: germline.

Blueprint Genetics
Classification: Likely benign. Last evaluated: 2023-02-28. Review status: criteria provided, single submitter. Criteria: ACMG Guidelines, 2015. Collection method: clinical testing. Allele origin: germline.